The following is an entry in ClinVar:

ClinVar aggregate classification (germline): Benign/Likely benign. Review status: criteria provided, multiple submitters, no conflicts (2 of 4 stars). 11 submissions from 11 submitters: Benign (3); Likely benign (6). 2 of the submissions do not count toward it. Last evaluated 2026-06-01.

Conditions:
Autosomal dominant nonsyndromic hearing loss 4A. Also called: Deafness, autosomal dominant 4A. Identifiers: Orphanet 90635, MedGen C1833503, MONDO:0010915, OMIM 600652.

Allele frequency attached by ClinVar (database versions not stated): 1000 Genomes Project 0.00100; 1000 Genomes Project 30x 0.00109; gnomAD exomes 0.00172 and 0.00321; gnomAD 0.00206 and 0.00218; TOPMed 0.00240; ESP Exome Variant Server 0.00258; ExAC 0.00281.
gnomAD v4.1: 4,906 of 1,590,010 alleles (0.31%); highest among the groups gnomAD compares: Non-Finnish European, 0.39%; 7 homozygotes.

Submissions (11):

CeGaT Center for Human Genetics Tuebingen
Classification: Likely benign. Last evaluated: 2026-06-01. Review status: criteria provided, single submitter. Criteria: CeGaT Center For Human Genetics Tuebingen Variant Classification Criteria Version 2. Collection method: clinical testing. Allele origin: germline. Affected: yes. Observed: 12 variant alleles.
Comment: MYH14: BP4, BP7, BS1

Labcorp Genetics (formerly Invitae), Labcorp
Classification: Benign. Last evaluated: 2026-01-12. Review status: criteria provided, single submitter. Criteria: Invitae Variant Classification Sherloc (09022015). Collection method: clinical testing. Allele origin: germline.

Blueprint Genetics
Classification: Likely benign. Last evaluated: 2024-11-27. Review status: criteria provided, single submitter. Criteria: ACMG Guidelines, 2015. Collection method: clinical testing. Allele origin: germline.

Mayo Clinic Laboratories, Mayo Clinic
Classification: Benign. Last evaluated: 2023-06-01. Review status: criteria provided, single submitter. Criteria: ACMG Guidelines, 2015. Collection method: clinical testing. Allele origin: germline. Observed: 7 variant alleles.

GeneDx
Classification: Likely benign. Last evaluated: 2020-11-12. Review status: criteria provided, single submitter. Criteria: GeneDx Variant Classification Process June 2021. Collection method: clinical testing. Allele origin: germline. Affected: yes.

Illumina Laboratory Services, Illumina
Classification: Likely benign for Autosomal dominant nonsyndromic hearing loss 4A. Last evaluated: 2018-01-13. Review status: criteria provided, single submitter. Criteria: ICSL Variant Classification Criteria 13 December 2019. Collection method: clinical testing. Allele origin: germline.
Comment: This variant was observed in the ICSL laboratory as part of a predisposition screen in an ostensibly healthy population. It had not been previously curated by ICSL or reported in the Human Gene Mutation Database (HGMD: prior to June 1st, 2018), and was therefore a candidate for classification through an automated scoring system. Utilizing variant allele frequency, disease prevalence and penetrance estimates, and inheritance mode, an automated score was calculated to assess if this variant is too frequent to cause the disease. Based on the score and internal cut-off values, a variant classified as likely benign is not then subjected to further curation. The score for this variant resulted in a classification of likely benign for this disease.

Laboratory for Molecular Medicine, Mass General Brigham Personalized Medicine
Classification: Benign. Last evaluated: 2012-04-30. Review status: criteria provided, single submitter. Criteria: LMM Criteria. Collection method: clinical testing. Allele origin: germline. Observed: 7 variant alleles.
Comment: Leu1743Leu in Exon 37 of MYH14: This variant is not expected to have clinical si gnificance because it does not alter an amino acid residue, is not located withi n the splice consensus sequence, and has been identified in 0.4% (29/6782) of Eu ropean American chromosomes from a broad population by the NHLBI Exome Sequencin g Project (dbSNP rs147447646).

Breakthrough Genomics
Classification: Likely benign. Review status: criteria provided, single submitter. Criteria: ACMG Guidelines, 2015. Collection method: not provided. Allele origin: germline. Inheritance: Autosomal dominant inheritance. Affected: yes.

PreventionGenetics, part of Exact Sciences
Classification: Likely benign. Review status: criteria provided, single submitter. Criteria: ACMG Guidelines, 2015. Collection method: clinical testing. Allele origin: germline.

Clinical Genetics DNA and cytogenetics Diagnostics Lab, Erasmus MC, Erasmus Medical Center
Classification: Likely benign. Review status: no assertion criteria provided. Collection method: clinical testing. Allele origin: germline. Affected: yes. Study: VKGL Data-share Consensus. Not counted in ClinVar's aggregate classification.

Clinical Genetics, Academic Medical Center
Classification: Likely benign. Review status: no assertion criteria provided. Collection method: clinical testing. Allele origin: germline. Affected: yes. Study: VKGL Data-share Consensus. Not counted in ClinVar's aggregate classification.

NM_001145809.2(MYH14):c.5227C>T (p.Leu1743=)

Gene: MYH14 (myosin heavy chain 14; plus strand). Cytogenetic location: 19q13.33.
Variant type: single nucleotide variant.
Coding change: c.5227C>T on transcript NM_001145809.2 (MANE Select); coding-DNA position 5227, C replaced by T.
Protein change: p.Leu1743=; no amino-acid change (leucine 1743 retained).
Molecular consequence: synonymous variant.
Genome position (GRCh38, 1-based): chr19:50,292,360, C>T. VCF-style: chr19-50292360-C-T. GRCh37 (hg19) VCF-style: chr19-50795617-C-T.
Other names: p.Leu1702=; c.5128C>T, p.Leu1710= (NM_001077186.2); c.5104C>T, p.Leu1702= (NM_024729.4).
Identifiers: ClinVar variation 178422 (VCV000178422.55), dbSNP rs147447646, ClinGen allele CA182295.